The following is an entry in ClinVar:

NM_004208.4(AIFM1):c.572_573delinsCT (p.Leu191Pro)

Genes: AIFM1 (apoptosis inducing factor mitochondria associated 1; minus strand), RAB33A (RAB33A, member RAS oncogene family; plus strand). Cytogenetic location: Xq26.1.
Variant type: Indel.
Coding change: c.572_573delinsCT on transcript NM_004208.4 (MANE Select); coding-DNA positions 572 to 573, TG replaced by CT.
Protein change: p.Leu191Pro; replaces leucine 191 with proline.
Molecular consequence: missense variant. On other transcripts: non-coding transcript variant (1).
Genome position (GRCh38, 1-based): chrX:130,147,525-130,147,526, CA replaced by AG on the plus strand (TG replaced by CT on the coding strand, the reverse complement: AIFM1 is on the minus strand). VCF-style: chrX-130147525-CA-AG. GRCh37 (hg19) VCF-style: chrX-129281500-CA-AG.
Other names: c.572_573delinsCT, p.Leu191Pro (NM_001130847.4); c.560_561delinsCT, p.Leu187Pro (NM_145812.3); short protein forms L187P, L191P.
Identifiers: ClinVar variation 162474 (VCV000162474.2), dbSNP rs724160016, ClinGen allele CA175056.

ClinVar aggregate classification (germline): Likely pathogenic (0 of 4 stars; one submission).

Conditions:
Deafness, X-linked 5 (DFNX5). Also called: DEAFNESS, X-LINKED 5, WITH PERIPHERAL NEUROPATHY; AUDITORY NEUROPATHY, X-LINKED, 1, WITH PERIPHERAL SENSORY NEUROPATHY. Identifiers: Orphanet 139583, MedGen C1845095, OMIM 300614.

Submission:

Deafness Gene Diagnosis, Xijing Hospital
Classification: Likely pathogenic for Deafness, X-linked 5. Review status: no assertion criteria provided. Collection method: clinical testing. Allele origin: unknown. Inheritance: Sporadic. Affected: yes. Observed: 1 variant allele, 1 homozygote.
Comment: missense mutation in conserved position, not detected in normal control (118 people), and Mutationtaster predicted as Disease Causing